The following is an entry in ClinVar:

NM_002439.5(MSH3):c.253A>G (p.Arg85Gly)

Gene: MSH3 (mutS homolog 3; plus strand). Cytogenetic location: 5q14.1.
Variant type: single nucleotide variant.
Coding change: c.253A>G on transcript NM_002439.5 (MANE Select); coding-DNA position 253, A replaced by G.
Protein change: p.Arg85Gly; replaces arginine 85 with glycine.
Molecular consequence: missense variant.
Genome position (GRCh38, 1-based): chr5:80,656,426, A>G. VCF-style: chr5-80656426-A-G. GRCh37 (hg19) VCF-style: chr5-79952245-A-G.
Other names: c.253A>G (NM_002439.4); short protein forms R85G.
Identifiers: ClinVar variation 3296291 (VCV003296291.2).

ClinVar aggregate classification (germline): Uncertain significance. Review status: criteria provided, multiple submitters, no conflicts (2 of 4 stars). 2 submissions from 2 submitters: Uncertain significance (2). Last evaluated 2025-02-13.

Conditions:
Hereditary cancer-predisposing syndrome. Also called: Tumor predisposition; Hereditary Cancer Syndrome; Hereditary neoplastic syndrome; Neoplastic Syndromes, Hereditary. Identifiers: Orphanet 140162, MedGen C0027672, MeSH D009386, MONDO:0015356.

gnomAD v4.1: 1 of 1,614,198 alleles (0.000062%); highest among the groups gnomAD compares: Non-Finnish European, 0.000085%; no homozygotes.

Submissions (2):

Quest Diagnostics Nichols Institute San Juan Capistrano
Classification: Uncertain significance. Last evaluated: 2025-02-13. Review status: criteria provided, single submitter. Criteria: Quest Diagnostics criteria. Collection method: clinical testing. Allele origin: unknown.
Comment: The MSH3 c.253A>G (p.Arg85Gly) variant has not been reported in individuals with MSH3-related conditions in the published literature. It also has not been reported in large, multi-ethnic general populations (Genome Aggregation Database). Analysis of this variant using bioinformatics tools for the prediction of the effect of amino acid changes on protein structure and function yielded predictions that this variant is benign. Based on the available information, we are unable to determine the clinical significance of this variant.

Ambry Genetics
Classification: Uncertain significance for Hereditary cancer-predisposing syndrome. Last evaluated: 2024-05-11. Review status: criteria provided, single submitter. Criteria: Ambry Variant Classification Scheme 2023. Collection method: clinical testing. Allele origin: germline.
Comment: The p.R85G variant (also known as c.253A>G), located in coding exon 2 of the MSH3 gene, results from an A to G substitution at nucleotide position 253. The arginine at codon 85 is replaced by glycine, an amino acid with dissimilar properties. This amino acid position is conserved. In addition, this alteration is predicted to be tolerated by in silico analysis. Based on the available evidence, the clinical significance of this variant remains unclear.